The following is an entry in ClinVar:

NM_201596.3(CACNB2):c.290G>C (p.Arg97Thr)

Gene: CACNB2 (calcium voltage-gated channel auxiliary subunit beta 2; plus strand). Cytogenetic location: 10p12.31.
Variant type: single nucleotide variant.
Coding change: c.290G>C on transcript NM_201596.3 (MANE Select); coding-DNA position 290, G replaced by C.
Protein change: p.Arg97Thr; replaces arginine 97 with threonine.
Molecular consequence: missense variant.
Genome position (GRCh38, 1-based): chr10:18,402,000, G>C. VCF-style: chr10-18402000-G-C. GRCh37 (hg19) VCF-style: chr10-18690929-G-C.
Other names: c.125G>C, p.Arg42Thr (NM_000724.4, NM_001330060.2); c.206G>C, p.Arg69Thr (NM_001167945.2, NM_201571.4, NM_201572.4); c.146G>C, p.Arg49Thr (NM_201570.3); c.128G>C, p.Arg43Thr (NM_201590.3); c.290G>C, p.Arg97Thr (NM_201593.3, NM_201597.3); short protein forms R43T, R97T, R49T, R42T, R69T.
Identifiers: ClinVar variation 577052 (VCV000577052.9), dbSNP rs1564509094, ClinGen allele CA376219563.

ClinVar aggregate classification (germline): Uncertain significance. Review status: criteria provided, multiple submitters, no conflicts (2 of 4 stars). 3 submissions from 3 submitters: Uncertain significance (3). Last evaluated 2025-04-22.

Conditions:
Cardiovascular phenotype. Identifiers: MedGen CN230736.
Brugada syndrome 4 (BRGDA4). Identifiers: Orphanet 130, MedGen C2678477, MONDO:0012743, OMIM 611876.

Allele frequency attached by ClinVar (database versions not stated): TOPMed below 0.00001; gnomAD exomes 0.00002.
gnomAD v4.1: 35 of 1,614,146 alleles (0.0022%); highest among the groups gnomAD compares: Non-Finnish European, 0.003%; no homozygotes.

Submissions (3):

Revvity Omics, Revvity
Classification: Uncertain significance for Brugada syndrome 4. Last evaluated: 2025-04-22. Review status: criteria provided, single submitter. Criteria: ACMG Guidelines, 2015. Collection method: clinical testing. Allele origin: germline.

Labcorp Genetics (formerly Invitae), Labcorp
Classification: Uncertain significance for Brugada syndrome 4. Last evaluated: 2025-04-08. Review status: criteria provided, single submitter. Criteria: Invitae Variant Classification Sherloc (09022015). Collection method: clinical testing. Allele origin: germline.
Comment: This sequence change replaces arginine, which is basic and polar, with threonine, which is neutral and polar, at codon 43 of the CACNB2 protein (p.Arg43Thr). This variant is not present in population databases (gnomAD no frequency). This variant has not been reported in the literature in individuals affected with CACNB2-related conditions. ClinVar contains an entry for this variant (Variation ID: 577052). Invitae Evidence Modeling of protein sequence and biophysical properties (such as structural, functional, and spatial information, amino acid conservation, physicochemical variation, residue mobility, and thermodynamic stability) indicates that this missense variant is not expected to disrupt CACNB2 protein function with a negative predictive value of 80%. In summary, the available evidence is currently insufficient to determine the role of this variant in disease. Therefore, it has been classified as a Variant of Uncertain Significance.

Ambry Genetics
Classification: Uncertain significance for Cardiovascular phenotype. Last evaluated: 2022-02-20. Review status: criteria provided, single submitter. Criteria: Ambry Variant Classification Scheme 2023. Collection method: clinical testing. Allele origin: germline.
Comment: The p.R43T variant (also known as c.128G>C), located in coding exon 2 of the CACNB2 gene, results from a G to C substitution at nucleotide position 128. The arginine at codon 43 is replaced by threonine, an amino acid with similar properties. This amino acid position is highly conserved in available vertebrate species. In addition, the in silico prediction for this alteration is inconclusive. The evidence for this gene-disease relationship is limited; therefore, the clinical significance of this alteration is unclear.